The following is an entry in ClinVar:

NM_000329.3(RPE65):c.219dup (p.Glu74fs)

Gene: RPE65 (retinoid isomerohydrolase RPE65; minus strand). Cytogenetic location: 1p31.3.
Variant type: Duplication.
Coding change: c.219dup on transcript NM_000329.3 (MANE Select); coding-DNA position 219, one base duplicated (A; older notation c.219dupA).
Protein change: p.Glu74fs; shifts the reading frame from glutamic acid 74.
Molecular consequence: frameshift variant. On other transcripts: 5 prime UTR variant (1), intron variant (1).
Genome position (GRCh38, 1-based): chr1:68,446,736, T duplicated on the plus strand (A on the coding strand, the reverse complement: RPE65 is on the minus strand); the first of 3 consecutive T bases (chr1:68,446,736-68,446,738); duplicating any one gives the same sequence. VCF-style (leftmost placement, unchanged base first): chr1-68446735-C-CT. GRCh37 (hg19) VCF-style: chr1-68912418-C-CT.
Other names: c.219dup, p.Glu74fs (NM_001406853.1, NM_001406859.1, NM_001406860.1); c.-58dup (NM_001406857.1); c.-31-1853dup (NM_001406856.1); short protein forms E74fs.
Identifiers: ClinVar variation 5011921 (VCV005011921.1).

ClinVar aggregate classification (germline): Pathogenic (1 of 4 stars; one submission).

Conditions:
RPE65-related recessive retinopathy. Also called: Recessive RPE65 retinopathy. Identifiers: MedGen CN305526, MONDO:0100368.

Submission:

Myriad Genetics, Inc.
Classification: Pathogenic for RPE65-related recessive retinopathy. Last evaluated: 2024-05-14. Review status: criteria provided, single submitter. Criteria: Myriad Autosomal Dominant, Autosomal Recessive and X-Linked Classification Criteria (2023). Collection method: clinical testing. Allele origin: unknown.
Comment: NM_000329.2(RPE65):c.219dupA(E74Rfs*14) is expected to be pathogenic in the context of inherited retinal dystrophy, RPE65-related. This variant is predicted to lead to an abnormal or absent protein product due to the creation of a premature termination codon in RPE65, a gene where loss-of-function variants are known to be pathogenic. Please note: this variant was assessed in the context of healthy population screening.